The following is an entry in ClinVar:

NM_007194.4(CHEK2):c.593-1G>C

Gene: CHEK2 (checkpoint kinase 2; minus strand). Cytogenetic location: 22q12.1.
Variant type: single nucleotide variant.
Coding change: c.593-1G>C on transcript NM_007194.4 (MANE Select); the canonical splice acceptor site of the intron before coding-DNA position 593, G replaced by C.
Molecular consequence: splice acceptor variant. On other transcripts: intron variant (1).
Genome position (GRCh38, 1-based): chr22:28,719,486, C>G on the plus strand (G>C on the coding strand, the complement: CHEK2 is on the minus strand). VCF-style: chr22-28719486-C-G. GRCh37 (hg19) VCF-style: chr22-29115474-C-G.
Other names: c.-71-1G>C (NM_001437942.1, NM_001257387.3); c.482+5400G>C (NM_001349956.3); c.593-1G>C (NM_145862.3); c.686-1G>C (NM_001438295.1, NM_001438293.1); c.722-1G>C (NM_001438294.1, NM_001005735.3).
Identifiers: ClinVar variation 657247 (VCV000657247.14), dbSNP rs786203229, ClinGen allele CA411105161.

ClinVar aggregate classification (germline): Conflicting classifications of pathogenicity. Review status: criteria provided, conflicting classifications (1 of 4 stars). 3 submissions from 3 submitters: Likely pathogenic (1); Uncertain significance (2). Last evaluated 2025-08-12.

Conditions:
Hereditary cancer-predisposing syndrome. Also called: Hereditary neoplastic syndrome; Tumor predisposition; Neoplastic Syndromes, Hereditary; Hereditary Cancer Syndrome. Identifiers: Orphanet 140162, MedGen C0027672, MeSH D009386, MONDO:0015356.
Familial cancer of breast. Also called: Hereditary breast cancer; hereditary breast carcinoma; BREAST CANCER, FAMILIAL. Identifiers: Orphanet 227535, MedGen C0346153, MONDO:0016419, OMIM 114480. Disease mechanism: loss of function.

Allele frequency attached by ClinVar (database versions not stated): gnomAD exomes below 0.00001.
gnomAD v4.1: 1 of 1,562,674 alleles (0.000064%); highest among the groups gnomAD compares: Non-Finnish European, 0.000088%; no homozygotes.

Submissions (3):

Ambry Genetics
Classification: Uncertain significance for Hereditary cancer-predisposing syndrome. Last evaluated: 2025-08-12. Review status: criteria provided, single submitter. Criteria: Ambry Variant Classification Scheme 2023. Collection method: clinical testing. Allele origin: germline.
Comment: The c.593-1G>C intronic variant results from a G to C substitution one nucleotide upstream from coding exon 4 of the CHEK2 gene. This nucleotide position is highly conserved in available vertebrate species. Alterations that disrupt the canonical splice site are expected to cause aberrant splicing, resulting in an abnormal protein or a transcript that is subject to nonsense-mediated mRNA decay. In silico splice site analysis predicts that this alteration will weaken the native splice acceptor site and will result in the creation or strengthening of a novel splice acceptor site. The predicted strong cryptic acceptor site leads to an in frame transcript with unknown functional impact that may lead to a clinically viable protein; however, direct evidence is insufficient at this time (Ambry internal data). Based on the available evidence, the clinical significance of this variant remains unclear.

Labcorp Genetics (formerly Invitae), Labcorp
Classification: Likely pathogenic for Familial cancer of breast. Last evaluated: 2024-06-02. Review status: criteria provided, single submitter. Criteria: Invitae Variant Classification Sherloc (09022015). Collection method: clinical testing. Allele origin: germline.
Comment: This sequence change affects an acceptor splice site in intron 4 of the CHEK2 gene. It is expected to disrupt RNA splicing. Variants that disrupt the donor or acceptor splice site typically lead to a loss of protein function (PMID: 16199547), and loss-of-function variants in CHEK2 are known to be pathogenic (PMID: 21876083, 24713400). This variant is not present in population databases (gnomAD no frequency). Disruption of this splice site has been observed in individual(s) with breast, prostate, or colorectal cancer (PMID: 25186627, 29659569, 32522261, 32906215, 35534704). ClinVar contains an entry for this variant (Variation ID: 657247). Algorithms developed to predict the effect of sequence changes on RNA splicing suggest that this variant may disrupt the consensus splice site. In summary, the currently available evidence indicates that the variant is pathogenic, but additional data are needed to prove that conclusively. Therefore, this variant has been classified as Likely Pathogenic.

Baylor Genetics
Classification: Uncertain significance for Familial cancer of breast. Last evaluated: 2023-07-14. Review status: criteria provided, single submitter. Criteria: ACMG Guidelines, 2015. Collection method: clinical testing. Allele origin: unknown.

Literature cited by the submitters: PubMed 16199547 (cited by Labcorp Genetics (formerly Invitae), Labcorp); PubMed 21876083 (cited by Labcorp Genetics (formerly Invitae), Labcorp); PubMed 24713400 (cited by Labcorp Genetics (formerly Invitae), Labcorp); PubMed 25186627 (cited by Labcorp Genetics (formerly Invitae), Labcorp); PubMed 29659569 (cited by Labcorp Genetics (formerly Invitae), Labcorp); PubMed 32522261 (cited by Labcorp Genetics (formerly Invitae), Labcorp); PubMed 32906215 (cited by Labcorp Genetics (formerly Invitae), Labcorp); PubMed 35534704 (cited by Labcorp Genetics (formerly Invitae), Labcorp).